The following is an entry in ClinVar:

NC_000001.10:g.(?_214802369)_(214802534_?)del

Gene: CENPF (centromere protein F; plus strand). Cytogenetic location: 1q41.
Variant type: Deletion.
Identifiers: ClinVar variation 2426297 (VCV002426297.4).

ClinVar aggregate classification (germline): Uncertain significance (1 of 4 stars; one submission).

Submission:

Labcorp Genetics (formerly Invitae), Labcorp
Classification: Uncertain significance. Last evaluated: 2023-07-07. Review status: criteria provided, single submitter. Criteria: Invitae Variant Classification Sherloc (09022015). Collection method: clinical testing. Allele origin: germline.
Comment: In summary, the available evidence is currently insufficient to determine the role of this variant in disease. Therefore, it has been classified as a Variant of Uncertain Significance. Experimental studies and prediction algorithms are not available or were not evaluated, and the functional significance of this variant is currently unknown. This variant has not been reported in the literature in individuals affected with CENPF-related conditions. This variant is a gross deletion of the genomic region encompassing exon(s) 8 of the CENPF gene. This variant would be expected to be in-frame, preserving the integrity of the reading frame.